The following is an entry in ClinVar:

ClinVar aggregate classification (germline): Benign/Likely benign. Review status: criteria provided, multiple submitters, no conflicts (2 of 4 stars). 5 submissions from 5 submitters: Benign (4); Likely benign (1). Last evaluated 2026-02-02.

Conditions:
Muscle AMP deaminase deficiency (MMDD). Also called: AMPD1 DEFICIENCY; ADENOSINE MONOPHOSPHATE DEAMINASE-1 DEFICIENCY, MYOPATHY DUE TO; Myoadenylate deaminase deficiency, myopathy due to; Adenosine monophosphate deaminase 1 deficiency; AMP deaminase 1 deficiency; Adenosine Monophosphate Deaminase 1. Identifiers: Orphanet 45, MedGen C3714933, MONDO:0014220, OMIM 615511.

Allele frequency attached by ClinVar (database versions not stated): ExAC 0.00167; gnomAD 0.00394 and 0.00419; ESP Exome Variant Server 0.00438; TOPMed 0.00441; 1000 Genomes Project 0.00559; 1000 Genomes Project 30x 0.00656.
gnomAD v4.1: 1,293 of 1,614,000 alleles (0.08%); highest among the groups gnomAD compares: African/African-American, 1.3%; 6 homozygotes.

Submissions (5):

Labcorp Genetics (formerly Invitae), Labcorp
Classification: Benign for Muscle AMP deaminase deficiency. Last evaluated: 2026-02-02. Review status: criteria provided, single submitter. Criteria: Invitae Variant Classification Sherloc (09022015). Collection method: clinical testing. Allele origin: germline.

Blueprint Genetics
Classification: Likely benign. Last evaluated: 2024-10-29. Review status: criteria provided, single submitter. Criteria: ACMG Guidelines, 2015. Collection method: clinical testing. Allele origin: germline.

CeGaT Center for Human Genetics Tuebingen
Classification: Benign. Last evaluated: 2024-03-01. Review status: criteria provided, single submitter. Criteria: CeGaT Center For Human Genetics Tuebingen Variant Classification Criteria Version 2. Collection method: clinical testing. Allele origin: germline. Affected: yes. Observed: 1 variant allele.
Comment: AMPD1: BP4, BP7, BS1, BS2

Eurofins Ntd Llc (ga)
Classification: Benign. Last evaluated: 2014-02-13. Review status: criteria provided, single submitter. Criteria: EGL Classification Definitions 2015. Collection method: clinical testing. Allele origin: germline. Observed: 1 variant allele, 1 heterozygote.

Breakthrough Genomics
Classification: Benign. Review status: criteria provided, single submitter. Criteria: ACMG Guidelines, 2015. Collection method: not provided. Allele origin: germline. Inheritance: Autosomal recessive inheritance. Affected: yes.

NM_000036.3(AMPD1):c.1845C>T (p.Ile615=)

Gene: AMPD1 (adenosine monophosphate deaminase 1; minus strand). Cytogenetic location: 1p13.2.
Variant type: single nucleotide variant.
Coding change: c.1845C>T on transcript NM_000036.3 (MANE Select); coding-DNA position 1845, C replaced by T.
Protein change: p.Ile615=; no amino-acid change (isoleucine 615 retained).
Molecular consequence: synonymous variant.
Genome position (GRCh38, 1-based): chr1:114,674,038, G>A on the plus strand (C>T on the coding strand, the complement: AMPD1 is on the minus strand). VCF-style: chr1-114674038-G-A. GRCh37 (hg19) VCF-style: chr1-115216659-G-A.
Other names: c.1833C>T, p.Ile611= (NM_001172626.2).
Identifiers: ClinVar variation 166681 (VCV000166681.38), dbSNP rs34257411, ClinGen allele CA179736.
Genomic context (GRCh38, chr1:114,674,038, plus strand): 5'-CAAAAAAGGATTTTTGGCATACTCTAGAAATAGGCTATTGTTACTTAGTGGTGACATGGC[G>A]ATGGGAATTTGGGCTAAGAAAAACAAGTACTGTAGCACGGGACTCTGAAAAAGAAAAGTA-3'
Protein context (NP_000027.3, residues 605-625): QYLFFLAQIP[Ile615=]AMSPLSNNSL